The following is an entry in ClinVar:

ClinVar aggregate classification (germline): Uncertain significance. Review status: criteria provided, multiple submitters, no conflicts (2 of 4 stars). 3 submissions from 3 submitters: Uncertain significance (3). Last evaluated 2025-03-02.

Conditions:
Cardiovascular phenotype. Identifiers: MedGen CN230736.
Progressive familial heart block type IB (PFHB1B). Identifiers: Orphanet 871, MedGen C1970298, MONDO:0011474, OMIM 604559.

gnomAD v4.1: 7 of 1,556,180 alleles (0.00045%); highest among the groups gnomAD compares: Non-Finnish European, 0.00052%; no homozygotes.

Submissions (3):

Ambry Genetics
Classification: Uncertain significance for Cardiovascular phenotype. Last evaluated: 2025-03-02. Review status: criteria provided, single submitter. Criteria: Ambry Variant Classification Scheme 2023. Collection method: clinical testing. Allele origin: germline.
Comment: The p.L792V variant (also known as c.2374C>G), located in coding exon 17 of the TRPM4 gene, results from a C to G substitution at nucleotide position 2374. The leucine at codon 792 is replaced by valine, an amino acid with highly similar properties. This amino acid position is conserved. In addition, this alteration is predicted to be tolerated by in silico analysis. Based on the available evidence, the clinical significance of this variant remains unclear.

Labcorp Genetics (formerly Invitae), Labcorp
Classification: Uncertain significance for Progressive familial heart block type IB. Last evaluated: 2024-11-26. Review status: criteria provided, single submitter. Criteria: Invitae Variant Classification Sherloc (09022015). Collection method: clinical testing. Allele origin: germline.
Comment: This sequence change replaces leucine, which is neutral and non-polar, with valine, which is neutral and non-polar, at codon 792 of the TRPM4 protein (p.Leu792Val). This variant is not present in population databases (gnomAD no frequency). This variant has not been reported in the literature in individuals affected with TRPM4-related conditions. ClinVar contains an entry for this variant (Variation ID: 1502729). An algorithm developed to predict the effect of missense changes on protein structure and function (PolyPhen-2) suggests that this variant is likely to be tolerated. In summary, the available evidence is currently insufficient to determine the role of this variant in disease. Therefore, it has been classified as a Variant of Uncertain Significance.

Blueprint Genetics
Classification: Uncertain significance. Last evaluated: 2024-04-22. Review status: criteria provided, single submitter. Criteria: ACMG Guidelines, 2015. Collection method: clinical testing. Allele origin: germline.

NM_017636.4(TRPM4):c.2374C>G (p.Leu792Val)

Gene: TRPM4 (transient receptor potential cation channel subfamily M member 4; plus strand). Cytogenetic location: 19q13.33.
Variant type: single nucleotide variant.
Coding change: c.2374C>G on transcript NM_017636.4 (MANE Select); coding-DNA position 2374, C replaced by G.
Protein change: p.Leu792Val; replaces leucine 792 with valine.
Molecular consequence: missense variant. On other transcripts: intron variant (1).
Genome position (GRCh38, 1-based): chr19:49,196,603, C>G. VCF-style: chr19-49196603-C-G. GRCh37 (hg19) VCF-style: chr19-49699860-C-G.
Other names: c.2029C>G, p.Leu677Val (NM_001321281.2); c.766C>G, p.Leu256Val (NM_001321282.2); c.1852C>G, p.Leu618Val (NM_001321283.2); c.1312C>G, p.Leu438Val (NM_001321285.2); c.2211-3697C>G (NM_001195227.2); c.2374C>G (NM_017636.3); short protein forms L438V, L677V, L792V, L256V, L618V.
Identifiers: ClinVar variation 1502729 (VCV001502729.10), dbSNP rs1968651807, ClinGen allele CA406809059.